The following is an entry in ClinVar:

ClinVar aggregate classification (germline): Uncertain significance (1 of 4 stars; one submission).

Conditions:
Long QT syndrome (LQTS). Identifiers: MedGen C0023976, MeSH D008133, MONDO:0002442. Disease mechanism: loss of function. Inheritance: Various modes of inheritance.

Submission:

Labcorp Genetics (formerly Invitae), Labcorp
Classification: Uncertain significance for Long QT syndrome. Last evaluated: 2023-11-15. Review status: criteria provided, single submitter. Criteria: Invitae Variant Classification Sherloc (09022015). Collection method: clinical testing. Allele origin: germline.
Comment: This sequence change replaces serine, which is neutral and polar, with glycine, which is neutral and non-polar, at codon 3710 of the AKAP9 protein (p.Ser3710Gly). This variant is not present in population databases (gnomAD no frequency). This variant has not been reported in the literature in individuals affected with AKAP9-related conditions. An algorithm developed to predict the effect of missense changes on protein structure and function (PolyPhen-2) suggests that this variant is likely to be tolerated. In summary, the available evidence is currently insufficient to determine the role of this variant in disease. Therefore, it has been classified as a Variant of Uncertain Significance.

NM_005751.5(AKAP9):c.11128A>G (p.Ser3710Gly)

Gene: AKAP9 (A-kinase anchoring protein 9; plus strand). Cytogenetic location: 7q21.2.
Variant type: single nucleotide variant.
Coding change: c.11128A>G on transcript NM_005751.5 (MANE Select); coding-DNA position 11128, A replaced by G.
Protein change: p.Ser3710Gly; replaces serine 3710 with glycine.
Molecular consequence: missense variant.
Genome position (GRCh38, 1-based): chr7:92,102,624, A>G. VCF-style: chr7-92102624-A-G. GRCh37 (hg19) VCF-style: chr7-91731938-A-G.
Other names: c.5773A>G, p.Ser1925Gly (NM_001379277.1); c.11104A>G, p.Ser3702Gly (NM_147185.3); short protein forms S1925G, S3702G, S3710G.
Identifiers: ClinVar variation 2696136 (VCV002696136.3), dbSNP rs2535317758, ClinGen allele CA368162045.